The following is an entry in ClinVar:

NM_000540.3(RYR1):c.156C>G (p.Ser52Arg)

Gene: RYR1 (ryanodine receptor 1; plus strand). Cytogenetic location: 19q13.2.
Variant type: single nucleotide variant.
Coding change: c.156C>G on transcript NM_000540.3 (MANE Select); coding-DNA position 156, C replaced by G.
Protein change: p.Ser52Arg; replaces serine 52 with arginine.
Molecular consequence: missense variant.
Genome position (GRCh38, 1-based): chr19:38,440,855, C>G. VCF-style: chr19-38440855-C-G. GRCh37 (hg19) VCF-style: chr19-38931495-C-G.
Other names: c.156C>G, p.Ser52Arg (NM_001042723.2); short protein forms S52R.
Identifiers: ClinVar variation 1391689 (VCV001391689.8), dbSNP rs2145321042, ClinGen allele CA405672185.

ClinVar aggregate classification (germline): Uncertain significance (1 of 4 stars; one submission).

Conditions:
RYR1-related disorder. Also called: RYR1-related condition; RYR1-related disorders. Identifiers: MedGen CN239331.

Submission:

Labcorp Genetics (formerly Invitae), Labcorp
Classification: Uncertain significance for RYR1-related disorder. Last evaluated: 2020-11-15. Review status: criteria provided, single submitter. Criteria: Invitae Variant Classification Sherloc (09022015). Collection method: clinical testing. Allele origin: germline.
Comment: This sequence change replaces serine with arginine at codon 52 of the RYR1 protein (p.Ser52Arg). The serine residue is moderately conserved and there is a moderate physicochemical difference between serine and arginine. This variant is not present in population databases (ExAC no frequency). This variant has not been reported in the literature in individuals with RYR1-related conditions. Advanced modeling of protein sequence and biophysical properties (such as structural, functional, and spatial information, amino acid conservation, physicochemical variation, residue mobility, and thermodynamic stability) performed at Invitae indicates that this missense variant is expected to disrupt RYR1 protein function. In summary, the available evidence is currently insufficient to determine the role of this variant in disease. Therefore, it has been classified as a Variant of Uncertain Significance.